The following is an entry in ClinVar:

NM_031892.3(SH3KBP1):c.1266G>A (p.Pro422=)

Gene: SH3KBP1 (SH3 domain containing kinase binding protein 1; minus strand). Cytogenetic location: Xp22.12.
Variant type: single nucleotide variant.
Coding change: c.1266G>A on transcript NM_031892.3 (MANE Select); coding-DNA position 1266, G replaced by A.
Protein change: p.Pro422=; no amino-acid change (proline 422 retained).
Molecular consequence: synonymous variant.
Genome position (GRCh38, 1-based): chrX:19,588,675, C>T on the plus strand (G>A on the coding strand, the complement: SH3KBP1 is on the minus strand). VCF-style: chrX-19588675-C-T. GRCh37 (hg19) VCF-style: chrX-19606793-C-T.
Other names: c.1155G>A, p.Pro385= (NM_001024666.3); c.552G>A, p.Pro184= (NM_001184960.2, NM_001353897.2); c.1266G>A, p.Pro422= (NM_001353890.2); c.1341G>A, p.Pro447= (NM_001353891.2, NM_001353892.2); c.1164G>A, p.Pro388= (NM_001353893.2, NM_001353894.2); c.1221G>A, p.Pro407= (NM_001353895.2); c.1341G>A (NM_001353891.1).
Identifiers: ClinVar variation 1165691 (VCV001165691.14), dbSNP rs2290805, ClinGen allele CA10364613.

ClinVar aggregate classification (germline): Benign/Likely benign. Review status: criteria provided, multiple submitters, no conflicts (2 of 4 stars). 5 submissions from 5 submitters: Benign (3); Likely benign (1). 1 of the submissions does not count toward it. Last evaluated 2026-02-02.

Conditions:
SH3KBP1-related disorder. Also called: SH3KBP1-related condition.
Immunodeficiency 61 (IMD61). Also called: AGMX2. Identifiers: Orphanet 229717, Orphanet 47, Orphanet 696945, MedGen C1845903, MONDO:0010296, OMIM 300310.

Allele frequency attached by ClinVar (database versions not stated): TOPMed 0.04955; 1000 Genomes Project 30x 0.04828; ESP Exome Variant Server 0.05680; ExAC 0.01681; gnomAD 0.04501 and 0.04216; gnomAD exomes 0.01340; 1000 Genomes Project 0.04689.
gnomAD v4.1: 10,520 of 1,205,251 alleles (0.87%); highest among the groups gnomAD compares: African/African-American, 15%; 523 homozygotes.

Submissions (5):

Labcorp Genetics (formerly Invitae), Labcorp
Classification: Benign. Last evaluated: 2026-02-02. Review status: criteria provided, single submitter. Criteria: Invitae Variant Classification Sherloc (09022015). Collection method: clinical testing. Allele origin: germline.

Women's Health and Genetics/Laboratory Corporation of America, LabCorp
Classification: Benign. Last evaluated: 2026-01-21. Review status: criteria provided, single submitter. Criteria: LabCorp Variant Classification Summary - May 2015. Collection method: clinical testing. Allele origin: germline.

Fulgent Genetics
Classification: Likely benign for Immunodeficiency 61. Last evaluated: 2022-04-05. Review status: criteria provided, single submitter. Criteria: ACMG Guidelines, 2015. Collection method: clinical testing. Allele origin: unknown.

Breakthrough Genomics
Classification: Benign. Review status: criteria provided, single submitter. Criteria: ACMG Guidelines, 2015. Collection method: not provided. Allele origin: germline. Inheritance: X-linked inheritance. Affected: yes.

PreventionGenetics, part of Exact Sciences
Classification: Benign for SH3KBP1-related condition. Last evaluated: 2020-01-16. Review status: no assertion criteria provided. Collection method: clinical testing. Allele origin: germline. Not counted in ClinVar's aggregate classification.
Comment: This variant is classified as benign based on ACMG/AMP sequence variant interpretation guidelines (Richards et al. 2015 PMID: 25741868, with internal and published modifications).